The following is an entry in ClinVar:

NM_000551.4(VHL):c.558_560del (p.Glu186del)

Genes: VHL (von Hippel-Lindau tumor suppressor; plus strand), LOC107303340 (3p25 von Hippel-Lindau tumor suppressor, E3 ubiquitin protein ligase Alu-mediated recombination region; plus strand). Cytogenetic location: 3p25.3.
Variant type: Deletion.
Coding change: c.558_560del on transcript NM_000551.4 (MANE Select); coding-DNA positions 558 to 560, 3 bases deleted (AGA; older notation c.558_560delAGA).
Protein change: p.Glu186del; deletes glutamic acid 186.
Molecular consequence: inframe deletion. On other transcripts: 3 prime UTR variant (1).
Genome position (GRCh38, 1-based): chr3:10,149,881-10,149,883, AGA deleted; deleting any 3 consecutive bases within chr3:10,149,879-10,149,883 gives the same sequence; the c. name uses the placement nearest the transcript's 3' end. VCF-style (leftmost placement, unchanged base first): chr3-10149878-CGAA-C. GRCh37 (hg19) VCF-style: chr3-10191562-CGAA-C.
Other names: p.Glu186del; c.558_560delAGA (NM_000551.3); c.*112_*114del (NM_001354723.2); c.435_437del, p.Glu145del (NM_198156.3); c.558_560del (NM_000551.3); short protein forms E186del, E145del.
Identifiers: ClinVar variation 625264 (VCV000625264.7), dbSNP rs1559429813, ClinGen allele CA658795181.

ClinVar aggregate classification (germline): Uncertain significance. Review status: criteria provided, multiple submitters, no conflicts (2 of 4 stars). 4 submissions from 4 submitters: Uncertain significance (3). 1 of the submissions does not count toward it. Last evaluated 2024-02-23.

Conditions:
Von Hippel-Lindau syndrome (VHLS). Also called: von Hippel–Lindau syndrome; Von Hippel-Lindau; VHL syndrome. Identifiers: Orphanet 892, MedGen C0019562, MONDO:0008667, OMIM 193300. Disease mechanism: loss of function.
Chuvash polycythemia. Also called: POLYCYTHEMIA, VHL-DEPENDENT. Identifiers: Orphanet 238557, MedGen C1837915, MONDO:0009892, OMIM 263400.

Submissions (4):

Mayo Clinic Laboratories, Mayo Clinic
Classification: Uncertain significance. Last evaluated: 2024-02-23. Review status: criteria provided, single submitter. Criteria: ACMG Guidelines, 2015. Collection method: clinical testing. Allele origin: germline. Observed: 1 variant allele.
Comment: PP4, PM2, PM4

Labcorp Genetics (formerly Invitae), Labcorp
Classification: Uncertain significance for Von Hippel-Lindau syndrome; Chuvash polycythemia. Last evaluated: 2023-09-24. Review status: criteria provided, single submitter. Criteria: Invitae Variant Classification Sherloc (09022015). Collection method: clinical testing. Allele origin: germline.
Comment: This variant, c.558_560del, results in the deletion of 1 amino acid(s) of the VHL protein (p.Glu186del), but otherwise preserves the integrity of the reading frame. This variant is not present in population databases (gnomAD no frequency). This variant has been observed in individual(s) with von Hippel-Lindau syndrome (PMID: 8730290). ClinVar contains an entry for this variant (Variation ID: 625264). Experimental studies and prediction algorithms are not available or were not evaluated, and the functional significance of this variant is currently unknown. This variant disrupts a region of the VHL protein in which other variant(s) (p.Glu186Lys) have been observed in individuals with VHL-related conditions (PMID: 7728151, 25078357). This suggests that this is a clinically significant region of the protein, and that variants that disrupt it are likely to be disease-causing. In summary, the available evidence is currently insufficient to determine the role of this variant in disease. Therefore, it has been classified as a Variant of Uncertain Significance.

Genomic Diagnostic Laboratory, Division of Genomic Diagnostics, Children's Hospital of Philadelphia
Classification: Uncertain significance for von Hippel-Lindau syndrome. Last evaluated: 2018-08-01. Review status: criteria provided, single submitter. Criteria: DGD Variant Analysis Guidelines. Collection method: clinical testing. Allele origin: germline. Affected: yes. Observed: 2 variant alleles.

Department of Pharmacy, The First Affiliated Hospital of Zhengzhou University
Classification: Likely pathogenic for Von Hippel-Lindau syndrome. Last evaluated: 2021-10-06. Review status: no assertion criteria provided. Collection method: clinical testing. Allele origin: germline. Affected: no. Observed: 2 variant alleles. Not counted in ClinVar's aggregate classification.

Literature cited by the submitters: PubMed 36936415 (cited by Mayo Clinic Laboratories, Mayo Clinic); PubMed 8730290 (cited by Mayo Clinic Laboratories, Mayo Clinic and Labcorp Genetics (formerly Invitae), Labcorp); PubMed 7728151 (cited by Labcorp Genetics (formerly Invitae), Labcorp); PubMed 25078357 (cited by Labcorp Genetics (formerly Invitae), Labcorp).